The following is an entry in ClinVar:

ClinVar aggregate classification (germline): Uncertain significance (1 of 4 stars; one submission).

Conditions:
Charcot-Marie-Tooth disease type 2. Also called: Charcot-Marie-Tooth type 2. Identifiers: Orphanet 64746, MedGen C0270914, MONDO:0018993.

Submission:

Labcorp Genetics (formerly Invitae), Labcorp
Classification: Uncertain significance for Charcot-Marie-Tooth disease type 2. Last evaluated: 2022-07-02. Review status: criteria provided, single submitter. Criteria: Invitae Variant Classification Sherloc (09022015). Collection method: clinical testing. Allele origin: germline.
Comment: In summary, the available evidence is currently insufficient to determine the role of this variant in disease. Therefore, it has been classified as a Variant of Uncertain Significance. Algorithms developed to predict the effect of sequence changes on RNA splicing suggest that this variant may disrupt the consensus splice site. Advanced modeling of protein sequence and biophysical properties (such as structural, functional, and spatial information, amino acid conservation, physicochemical variation, residue mobility, and thermodynamic stability) performed at Invitae indicates that this missense variant is expected to disrupt MFN2 protein function. This variant has not been reported in the literature in individuals affected with MFN2-related conditions. This variant is not present in population databases (gnomAD no frequency). This sequence change replaces glycine, which is neutral and non-polar, with serine, which is neutral and polar, at codon 202 of the MFN2 protein (p.Gly202Ser).

NM_014874.4(MFN2):c.604G>A (p.Gly202Ser)

Gene: MFN2 (mitofusin 2; plus strand). Cytogenetic location: 1p36.22.
Variant type: single nucleotide variant.
Coding change: c.604G>A on transcript NM_014874.4 (MANE Select); coding-DNA position 604, G replaced by A.
Protein change: p.Gly202Ser; replaces glycine 202 with serine.
Molecular consequence: missense variant.
Genome position (GRCh38, 1-based): chr1:11,998,774, G>A. VCF-style: chr1-11998774-G-A. GRCh37 (hg19) VCF-style: chr1-12058831-G-A.
Other names: c.604G>A, p.Gly202Ser (NM_001127660.2); short protein forms G202S.
Identifiers: ClinVar variation 2013257 (VCV002013257.4), dbSNP rs2523034580, ClinGen allele CA338437683.